The following is an entry in ClinVar:

NM_032119.4(ADGRV1):c.2983_2984del (p.Leu995fs)

Gene: ADGRV1 (adhesion G protein-coupled receptor V1; plus strand). Cytogenetic location: 5q14.3.
Variant type: Microsatellite.
Coding change: c.2983_2984del on transcript NM_032119.4 (MANE Select); coding-DNA positions 2983 to 2984, 2 bases deleted (CT; older notation c.2983_2984delCT).
Protein change: p.Leu995fs; shifts the reading frame from leucine 995.
Molecular consequence: frameshift variant. On other transcripts: non-coding transcript variant (1).
Genome position (GRCh38, 1-based): chr5:90,646,052-90,646,053, CT deleted; deleting any 2 consecutive bases within chr5:90,646,050-90,646,053 gives the same sequence; the c. name uses the placement nearest the transcript's 3' end. VCF-style (leftmost placement, unchanged base first): chr5-90646049-ACT-A. GRCh37 (hg19) VCF-style: chr5-89941866-ACT-A.
Other names: short protein forms L995fs.
Identifiers: ClinVar variation 2862506 (VCV002862506.3), dbSNP rs2532013049, ClinGen allele CA2739274868.

ClinVar aggregate classification (germline): Pathogenic (1 of 4 stars; one submission).

Submission:

Labcorp Genetics (formerly Invitae), Labcorp
Classification: Pathogenic. Last evaluated: 2023-05-07. Review status: criteria provided, single submitter. Criteria: Invitae Variant Classification Sherloc (09022015). Collection method: clinical testing. Allele origin: germline.
Comment: This sequence change creates a premature translational stop signal (p.Leu995Glufs*3) in the ADGRV1 gene. It is expected to result in an absent or disrupted protein product. Loss-of-function variants in ADGRV1 are known to be pathogenic (PMID: 19357117, 22135276, 22147658, 26226137, 30718709, 31047384, 32467589). This variant is not present in population databases (gnomAD no frequency). This variant has not been reported in the literature in individuals affected with ADGRV1-related conditions. For these reasons, this variant has been classified as Pathogenic.

Literature cited by the submitters: PubMed 19357117; PubMed 22135276; PubMed 22147658; PubMed 26226137; PubMed 30718709; PubMed 31047384; PubMed 32467589.